The following is an entry in ClinVar:

NM_002878.4(RAD51D):c.985T>C (p.Ter329Arg)

Genes: RAD51L3-RFFL (RAD51L3-RFFL readthrough; minus strand), RAD51D (RAD51 paralog D; minus strand). Cytogenetic location: 17q12.
Variant type: single nucleotide variant.
Coding change: c.985T>C on transcript NM_002878.4 (MANE Select); coding-DNA position 985, T replaced by C.
Protein change: p.Ter329Arg.
Molecular consequence: stop lost. On other transcripts: non-coding transcript variant (2).
Genome position (GRCh38, 1-based): chr17:35,100,955, A>G on the plus strand (T>C on the coding strand, the complement: RAD51D is on the minus strand). VCF-style: chr17-35100955-A-G. GRCh37 (hg19) VCF-style: chr17-33427974-A-G.
Other names: c.1045T>C, p.Ter349Arg (NM_001142571.2); c.649T>C, p.Ter217Arg (NM_133629.3).
Identifiers: ClinVar variation 2999752 (VCV002999752.3), dbSNP rs1376900239, ClinGen allele CA399086025.
Genomic context (GRCh38, chr17:35,100,955, plus strand): 5'-GGAAGAAAAGTTGGGAGGGGTCCCCAATGCTTCCCTGTTTCCCAAACAACAGCACAGGTC[A>G]TGTCTGATCACCCTGTAATGTGGCACTCTGCTCTGAGGTCCCCCAGGTCCCAATGTCTAC-3'

ClinVar aggregate classification (germline): Uncertain significance (1 of 4 stars; one submission).

Conditions:
Breast-ovarian cancer, familial, susceptibility to, 4. Identifiers: Orphanet 145, MedGen C3280345, MONDO:0013669, OMIM 614291.

Allele frequency attached by ClinVar (database versions not stated): gnomAD exomes below 0.00001.
gnomAD v4.1: 1 of 1,610,948 alleles (0.000062%); highest among the groups gnomAD compares: Non-Finnish European, 0.000085%; no homozygotes.

Submission:

Labcorp Genetics (formerly Invitae), Labcorp
Classification: Uncertain significance for Breast-ovarian cancer, familial, susceptibility to, 4. Last evaluated: 2023-05-24. Review status: criteria provided, single submitter. Criteria: Invitae Variant Classification Sherloc (09022015). Collection method: clinical testing. Allele origin: germline.
Comment: In summary, the available evidence is currently insufficient to determine the role of this variant in disease. Therefore, it has been classified as a Variant of Uncertain Significance. This variant has not been reported in the literature in individuals affected with RAD51D-related conditions. This variant is present in population databases (no rsID available, gnomAD 0.0009%). This sequence change disrupts the translational stop signal of the RAD51D mRNA. It is expected to extend the length of the RAD51D protein by 56 additional amino acid residues.